The following is an entry in ClinVar:

NM_001354712.2(THRB):c.*3163A>G

Gene: THRB (thyroid hormone receptor beta; minus strand). Cytogenetic location: 3p24.2.
Variant type: single nucleotide variant.
Coding change: c.*3163A>G on transcript NM_001354712.2 (MANE Select); 3163 bases downstream of the stop codon, A replaced by G.
Molecular consequence: 3 prime UTR variant.
Genome position (GRCh38, 1-based): chr3:24,119,721, T>C on the plus strand (A>G on the coding strand, the complement: THRB is on the minus strand). VCF-style: chr3-24119721-T-C. GRCh37 (hg19) VCF-style: chr3-24161212-T-C.
Other names: c.*3163A>G (NM_000461.5, NM_001128176.3, NM_001128177.2 and 14 more transcripts).
Identifiers: ClinVar variation 899955 (VCV000899955.4), dbSNP rs560923192, ClinGen allele CA71602677.

ClinVar aggregate classification (germline): Benign (1 of 4 stars; one submission).

Conditions:
Thyroid hormone resistance, generalized, autosomal dominant (GRTHD). Also called: HYPERTHYROXINEMIA, FAMILIAL EUTHYROID, SECONDARY TO PITUITARY AND PERIPHERAL RESISTANCE TO THYROID HORMONES. Identifiers: MedGen C2937288, MONDO:0008569, OMIM 188570.

Allele frequency attached by ClinVar (database versions not stated): 1000 Genomes Project 30x 0.00016; gnomAD 0.00033 and 0.00034; TOPMed 0.00039; 1000 Genomes Project 0.00040.

Submission:

Illumina Laboratory Services, Illumina
Classification: Benign for Thyroid hormone resistance, generalized, autosomal dominant. Last evaluated: 2018-01-13. Review status: criteria provided, single submitter. Criteria: ICSL Variant Classification Criteria 13 December 2019. Collection method: clinical testing. Allele origin: germline.
Comment: This variant was observed in the ICSL laboratory as part of a predisposition screen in an ostensibly healthy population. It had not been previously curated by ICSL or reported in the Human Gene Mutation Database (HGMD: prior to June 1st, 2018), and was therefore a candidate for classification through an automated scoring system. Utilizing variant allele frequency, disease prevalence and penetrance estimates, and inheritance mode, an automated score was calculated to assess if this variant is too frequent to cause the disease. Based on the score and internal cut-off values, a variant classified as benign is not then subjected to further curation. The score for this variant resulted in a classification of benign for this disease.